The following is an entry in ClinVar:

ClinVar aggregate classification (germline): Uncertain significance (1 of 4 stars; one submission).

Conditions:
Inborn genetic diseases. Identifiers: MedGen C0950123, MeSH D030342.

gnomAD v4.1: 1 of 1,412,486 alleles (0.000071%); highest among the groups gnomAD compares: Non-Finnish European, 0.000091%; no homozygotes.

Submission:

Ambry Genetics
Classification: Uncertain significance for Inborn genetic diseases. Last evaluated: 2026-06-06. Review status: criteria provided, single submitter. Criteria: Ambry Variant Classification Scheme 2023. Collection method: clinical testing. Allele origin: germline.
Comment: The p.F240L variant (also known as c.720C>G), located in coding exon 1 of the SH2B3 gene, results from a C to G substitution at nucleotide position 720. The phenylalanine at codon 240 is replaced by leucine, an amino acid with highly similar properties. This amino acid position is conserved. In addition, this alteration is predicted to be tolerated by in silico analysis. Based on the available evidence, the clinical significance of this variant remains unclear.

NM_005475.3(SH2B3):c.720C>G (p.Phe240Leu)

Gene: SH2B3 (SH2B adaptor protein 3; plus strand). Cytogenetic location: 12q24.12.
Variant type: single nucleotide variant.
Coding change: c.720C>G on transcript NM_005475.3 (MANE Select); coding-DNA position 720, C replaced by G.
Protein change: p.Phe240Leu; replaces phenylalanine 240 with leucine.
Molecular consequence: missense variant.
Genome position (GRCh38, 1-based): chr12:111,418,865, C>G. VCF-style: chr12-111418865-C-G. GRCh37 (hg19) VCF-style: chr12-111856669-C-G.
Other names: short protein forms F240L.
Identifiers: ClinVar variation 4864464 (VCV004864464.1).